The following is an entry in ClinVar:

ClinVar aggregate classification (germline): Pathogenic (1 of 4 stars; one submission).

Conditions:
Familial thoracic aortic aneurysm and aortic dissection (TAAD). Also called: Thoracic aortic aneurysms and dissections. Identifiers: Orphanet 91387, MedGen C4707243, MONDO:0019625.
Marfan syndrome (MFS). Also called: FBN1-Related Marfan Syndrome; Marfan syndrome type 1; Marfan's syndrome; Marfan syndrome, classic; MARFAN SYNDROME, TYPE I. Identifiers: Orphanet 284963, Orphanet 558, MedGen C0024796, MONDO:0007947, OMIM 154700.

Submission:

Labcorp Genetics (formerly Invitae), Labcorp
Classification: Pathogenic for Marfan syndrome; Familial thoracic aortic aneurysm and aortic dissection. Last evaluated: 2018-12-30. Review status: criteria provided, single submitter. Criteria: Invitae Variant Classification Sherloc (09022015). Collection method: clinical testing. Allele origin: germline.
Comment: This variant affects a cysteine residue in the EGF-like, TGFBP or hybrid motif domains of FBN1. Cysteine residues are believed to be involved in intramolecular disulfide bridges and have been shown to be important for FBN1 protein structure (PMID: 16905551, 19349279). In addition, missense substitutions affecting cysteine residues within these domains are significantly overrepresented among patients with Marfan syndrome (PMID: 16571647, 17701892). For these reasons, this variant has been classified as Pathogenic. This variant is an in-frame deletion of the genomic region encompassing exon 24 of the FBN1 gene. It preserves the integrity of the reading frame.

Literature cited by the submitters: PubMed 16905551; PubMed 19349279; PubMed 16571647; PubMed 17701892.

NC_000015.10:g.(?_48492451)_(48492596_?)del

Gene: FBN1 (fibrillin 1; minus strand). Cytogenetic location: 15q21.1.
Variant type: Deletion.
Identifiers: ClinVar variation 663944 (VCV000663944.7).